The following is an entry in ClinVar:

ClinVar aggregate classification (germline): Uncertain significance. Review status: criteria provided, multiple submitters, no conflicts (2 of 4 stars). 3 submissions from 3 submitters: Uncertain significance (3). Last evaluated 2026-04-28.

Conditions:
RP1-related disorder. Also called: RP1-related condition.

Allele frequency attached by ClinVar (database versions not stated): TOPMed 0.00001; ExAC 0.00002; gnomAD 0.00002; gnomAD exomes 0.00002 and 0.00003.
gnomAD v4.1: 52 of 1,614,012 alleles (0.0032%); highest among the groups gnomAD compares: Non-Finnish European, 0.0044%; no homozygotes.

Submissions (3):

PreventionGenetics, part of Exact Sciences
Classification: Uncertain significance for RP1-related condition. Last evaluated: 2026-04-28. Review status: criteria provided, single submitter. Criteria: ACMG Guidelines, 2015. Collection method: clinical testing. Allele origin: germline.
Comment: The RP1 c.148G>C variant is predicted to result in the amino acid substitution p.Gly50Arg. This variant has been reported in the heterozygous state in individuals with retinitis pigmentosa or inherited retinal disease (O'Sullivan et al. 2012. PubMed ID: 22581970; Table S1, Sheck et al. 2021. PubMed ID: 33749171; Table S1, Lin et al. 2024. PubMed ID: 38219857). This variant is reported in 0.0046% of alleles in individuals of European (Non-Finnish) descent in gnomAD. At this time, the clinical significance of this variant is uncertain due to the absence of conclusive functional and genetic evidence.

Labcorp Genetics (formerly Invitae), Labcorp
Classification: Uncertain significance. Last evaluated: 2025-02-28. Review status: criteria provided, single submitter. Criteria: Invitae Variant Classification Sherloc (09022015). Collection method: clinical testing. Allele origin: germline.
Comment: This sequence change replaces glycine, which is neutral and non-polar, with arginine, which is basic and polar, at codon 50 of the RP1 protein (p.Gly50Arg). This variant is present in population databases (rs761646580, gnomAD 0.004%). This missense change has been observed in individuals with retinitis pigmentosa (PMID: 22581970, 33749171). ClinVar contains an entry for this variant (Variation ID: 961912). An algorithm developed to predict the effect of missense changes on protein structure and function (PolyPhen-2) suggests that this variant is likely to be disruptive. In summary, the available evidence is currently insufficient to determine the role of this variant in disease. Therefore, it has been classified as a Variant of Uncertain Significance.

Blueprint Genetics
Classification: Uncertain significance. Last evaluated: 2023-02-15. Review status: criteria provided, single submitter. Criteria: ACMG Guidelines, 2015. Collection method: clinical testing. Allele origin: germline.

Literature cited by the submitters: PubMed 22581970 (cited by Labcorp Genetics (formerly Invitae), Labcorp); PubMed 33749171 (cited by Labcorp Genetics (formerly Invitae), Labcorp).

NM_006269.2(RP1):c.148G>C (p.Gly50Arg)

Gene: RP1 (RP1 axonemal microtubule associated; plus strand). Cytogenetic location: 8q12.1.
Variant type: single nucleotide variant.
Coding change: c.148G>C on transcript NM_006269.2 (MANE Select); coding-DNA position 148, G replaced by C.
Protein change: p.Gly50Arg; replaces glycine 50 with arginine.
Molecular consequence: missense variant.
Genome position (GRCh38, 1-based): chr8:54,621,114, G>C. VCF-style: chr8-54621114-G-C. GRCh37 (hg19) VCF-style: chr8-55533674-G-C.
Other names: c.148G>C, p.Gly50Arg (NM_001375654.1); short protein forms G50R.
Identifiers: ClinVar variation 961912 (VCV000961912.11), dbSNP rs761646580, ClinGen allele CA4751093.